The following is an entry in ClinVar:

ClinVar aggregate classification (germline): Likely benign (1 of 4 stars; one submission).

Submission:

Women's Health and Genetics/Laboratory Corporation of America, LabCorp
Classification: Likely benign. Last evaluated: 2025-10-01. Review status: criteria provided, single submitter. Criteria: LabCorp Variant Classification Summary - May 2015. Collection method: clinical testing. Allele origin: germline.
Comment: Variant summary: COPA c.926-17_926-15delCTC alters a nucleotide located at a position not widely known to affect splicing. Consensus agreement among computation tools predict no significant impact on normal splicing. However, these predictions have yet to be confirmed by functional studies. The variant was absent in 248514 control chromosomes. The available data on variant occurrences in the general population are insufficient to allow any conclusion about variant significance. To our knowledge, no occurrence of c.926-17_926-15delCTC in individuals affected with COPA-related conditions and no experimental evidence demonstrating its impact on protein function have been reported. No submitters have cited clinical-significance assessments for this variant to ClinVar. Based on the evidence outlined above, the variant was classified as likely benign.

NM_004371.4(COPA):c.926-23CTC[2]

Gene: COPA (coat protein complex I subunit alpha; minus strand). Cytogenetic location: 1q23.2.
Variant type: Microsatellite.
Coding change: c.926-23CTC[2] on transcript NM_004371.4 (MANE Select); two copies in a row of the 3-base unit CTC starting at c.926-23; the reference has three copies in a row; one copy, 3 bases deleted.
Molecular consequence: intron variant.
Genome position (GRCh38, 1-based): chr1:160,312,033-160,312,035, GAG deleted on the plus strand (CTC on the coding strand, the reverse complement: COPA is on the minus strand); deleting any 3 consecutive bases within chr1:160,312,033-160,312,041 gives the same sequence; the position shown is the placement nearest the transcript's 3' end. VCF-style (leftmost placement, unchanged base first): chr1-160312032-AGAG-A. GRCh37 (hg19) VCF-style: chr1-160281822-AGAG-A.
Other names: c.926-17_926-15delCTC (NM_004371.4); c.926-23CTC[2] (NM_001098398.2).
Identifiers: ClinVar variation 4687623 (VCV004687623.1).